The following is an entry in ClinVar:

ClinVar aggregate classification (germline): Benign. Review status: criteria provided, multiple submitters, no conflicts (2 of 4 stars). 4 submissions from 4 submitters: Benign (3). 1 of the submissions does not count toward it. Last evaluated 2026-02-03.

Allele frequency attached by ClinVar (database versions not stated): 1000 Genomes Project 0.06989; ESP Exome Variant Server 0.02900; gnomAD 0.03420 and 0.03855; ExAC 0.06031; gnomAD exomes 0.04670 and 0.06089; 1000 Genomes Project 30x 0.06793; TOPMed 0.03871.
gnomAD v4.1: 74,288 of 1,613,902 alleles (4.6%); highest among the groups gnomAD compares: East Asian, 18%; 2,563 homozygotes.

Submissions (4):

Labcorp Genetics (formerly Invitae), Labcorp
Classification: Benign. Last evaluated: 2026-02-03. Review status: criteria provided, single submitter. Criteria: Invitae Variant Classification Sherloc (09022015). Collection method: clinical testing. Allele origin: germline.

GeneDx
Classification: Benign. Last evaluated: 2018-11-12. Review status: criteria provided, single submitter. Criteria: GeneDx Variant Classification Process June 2021. Collection method: clinical testing. Allele origin: germline. Affected: yes.

Breakthrough Genomics
Classification: Benign. Review status: criteria provided, single submitter. Criteria: ACMG Guidelines, 2015. Collection method: not provided. Allele origin: germline. Inheritance: Autosomal recessive inheritance. Affected: yes.

Genetic Services Laboratory, University of Chicago
Classification: Likely benign for AllHighlyPenetrant. Review status: no assertion criteria provided. Collection method: clinical testing. Allele origin: germline. Inheritance: Autosomal recessive inheritance. Not counted in ClinVar's aggregate classification.
Comment: Likely benign based on allele frequency in 1000 Genomes Project or ESP global frequency and its presence in a patient with a rare or unrelated disease phenotype. NOT Sanger confirmed.

NM_016648.4(LARP7):c.836G>A (p.Arg279Gln)

Genes: LARP7 (La ribonucleoprotein 7, transcriptional regulator; plus strand), MIR302CHG (miR-302/367 cluster host gene; minus strand). Cytogenetic location: 4q25.
Variant type: single nucleotide variant.
Coding change: c.836G>A on transcript NM_016648.4 (MANE Select); coding-DNA position 836, G replaced by A.
Protein change: p.Arg279Gln; replaces arginine 279 with glutamine.
Molecular consequence: missense variant.
Genome position (GRCh38, 1-based): chr4:112,647,388, G>A. VCF-style: chr4-112647388-G-A. GRCh37 (hg19) VCF-style: chr4-113568544-G-A.
Other names: c.836G>A, p.Arg279Gln (NM_001267039.4, NM_001370974.1, NM_001370975.1 and 2 more transcripts); c.833G>A, p.Arg278Gln (NM_001370976.1, NM_001370977.1, NM_001370979.1 and 1 more transcripts); c.599G>A, p.Arg200Gln (NM_001370981.1, NM_001370982.1); short protein forms R279Q, R200Q, R278Q.
Identifiers: ClinVar variation 129480 (VCV000129480.15), dbSNP rs62317770, ClinGen allele CA153526.